The following is an entry in ClinVar:

ClinVar aggregate classification (germline): Uncertain significance. Review status: criteria provided, multiple submitters, no conflicts (2 of 4 stars). 2 submissions from 2 submitters: Uncertain significance (2). Last evaluated 2023-08-24.

Conditions:
Severe combined immunodeficiency due to DNA-PKcs deficiency. Also called: Immunodeficiency 26 with or without neurologic abnormalities; IMMUNODEFICIENCY 26 WITH NEUROLOGIC ABNORMALITIES. Identifiers: Orphanet 317425, MedGen C4014833, MONDO:0014423, OMIM 615966.

Allele frequency attached by ClinVar (database versions not stated): TOPMed below 0.00001.
gnomAD v4.1: 1 of 1,613,816 alleles (0.000062%); highest among the groups gnomAD compares: Non-Finnish European, 0.000085%; no homozygotes.

Submissions (2):

Labcorp Genetics (formerly Invitae), Labcorp
Classification: Uncertain significance for Severe combined immunodeficiency due to DNA-PKcs deficiency. Last evaluated: 2023-08-24. Review status: criteria provided, single submitter. Criteria: Invitae Variant Classification Sherloc (09022015). Collection method: clinical testing. Allele origin: germline.
Comment: This sequence change replaces leucine, which is neutral and non-polar, with valine, which is neutral and non-polar, at codon 793 of the PRKDC protein (p.Leu793Val). This variant is not present in population databases (gnomAD no frequency). This variant has not been reported in the literature in individuals affected with PRKDC-related conditions. In summary, the available evidence is currently insufficient to determine the role of this variant in disease. Therefore, it has been classified as a Variant of Uncertain Significance. Advanced modeling of protein sequence and biophysical properties (such as structural, functional, and spatial information, amino acid conservation, physicochemical variation, residue mobility, and thermodynamic stability) performed at Invitae indicates that this missense variant is not expected to disrupt PRKDC protein function. ClinVar contains an entry for this variant (Variation ID: 1468788).

Ambry Genetics
Classification: Uncertain significance. Last evaluated: 2021-11-21. Review status: criteria provided, single submitter. Criteria: Ambry Variant Classification Scheme 2023. Collection method: clinical testing. Allele origin: germline.
Comment: The p.L793V variant (also known as c.2377C>G), located in coding exon 21 of the PRKDC gene, results from a C to G substitution at nucleotide position 2377. The leucine at codon 793 is replaced by valine, an amino acid with highly similar properties. This amino acid position is conserved. In addition, this alteration is predicted to be tolerated by in silico analysis. Since supporting evidence is limited at this time, the clinical significance of this alteration remains unclear.

NM_006904.7(PRKDC):c.2377C>G (p.Leu793Val)

Gene: PRKDC (protein kinase, DNA-activated, catalytic subunit; minus strand). Cytogenetic location: 8q11.21.
Variant type: single nucleotide variant.
Coding change: c.2377C>G on transcript NM_006904.7 (MANE Select); coding-DNA position 2377, C replaced by G.
Protein change: p.Leu793Val; replaces leucine 793 with valine.
Molecular consequence: missense variant.
Genome position (GRCh38, 1-based): chr8:47,927,236, G>C on the plus strand (C>G on the coding strand, the complement: PRKDC is on the minus strand). VCF-style: chr8-47927236-G-C. GRCh37 (hg19) VCF-style: chr8-48839796-G-C.
Other names: c.2377C>G, p.Leu793Val (NM_001081640.2); short protein forms L793V.
Identifiers: ClinVar variation 1468788 (VCV001468788.8), dbSNP rs1273568872, ClinGen allele CA371161725.